The following is an entry in ClinVar:

NM_000368.5(TSC1):c.*198T>C

Gene: TSC1 (TSC complex subunit 1; minus strand). Cytogenetic location: 9q34.13.
Variant type: single nucleotide variant.
Coding change: c.*198T>C on transcript NM_000368.5 (MANE Select); 198 bases downstream of the stop codon, T replaced by C.
Molecular consequence: 3 prime UTR variant.
Genome position (GRCh38, 1-based): chr9:132,896,037, A>G on the plus strand (T>C on the coding strand, the complement: TSC1 is on the minus strand). VCF-style: chr9-132896037-A-G. GRCh37 (hg19) VCF-style: chr9-135771424-A-G.
Other names: c.*198T>C (NM_001162426.2, NM_001162427.2, NM_001362177.2).
Identifiers: ClinVar variation 365506 (VCV000365506.5), dbSNP rs7037703, ClinGen allele CA10629356.

ClinVar aggregate classification (germline): Benign. Review status: criteria provided, single submitter (1 of 4 stars). 2 submissions from 1 submitter: Benign (2). Last evaluated 2018-01-13.

Conditions:
Isolated focal cortical dysplasia type II (FCORD2). Also called: CORTICAL DYSPLASIA OF TAYLOR; Focal cortical dysplasia type II. Identifiers: Orphanet 268994, MedGen C1846385, MONDO:0011818, OMIM 607341, HP:0032051.
Tuberous sclerosis 1 (TSC1). Identifiers: Orphanet 805, MedGen C1854465, MONDO:0008612, OMIM 191100.

Allele frequency attached by ClinVar (database versions not stated): 1000 Genomes Project 0.00439.

Submissions (2):

Illumina Laboratory Services, Illumina
Classification: Benign for Tuberous sclerosis 1. Last evaluated: 2018-01-13. Review status: criteria provided, single submitter. Criteria: ICSL Variant Classification Criteria 13 December 2019. Collection method: clinical testing. Allele origin: germline.
Comment: This variant was observed in the ICSL laboratory as part of a predisposition screen in an ostensibly healthy population. It had not been previously curated by ICSL or reported in the Human Gene Mutation Database (HGMD: prior to June 1st, 2018), and was therefore a candidate for classification through an automated scoring system. Utilizing variant allele frequency, disease prevalence and penetrance estimates, and inheritance mode, an automated score was calculated to assess if this variant is too frequent to cause the disease. Based on the score and internal cut-off values, a variant classified as benign is not then subjected to further curation. The score for this variant resulted in a classification of benign for this disease.

Illumina Laboratory Services, Illumina
Classification: Benign for Isolated focal cortical dysplasia type II. Last evaluated: 2018-01-13. Review status: criteria provided, single submitter. Criteria: ICSL Variant Classification Criteria 13 December 2019. Collection method: clinical testing. Allele origin: germline.
Comment: the same text as in the submission from Illumina Laboratory Services, Illumina above.